The following is an entry in ClinVar:

ClinVar aggregate classification (germline): Uncertain significance (1 of 4 stars; one submission).

Conditions:
Hypertrophic cardiomyopathy. Also called: HYPERTROPHIC MYOCARDIOPATHY. Identifiers: Orphanet 217569, MedGen C0007194, MeSH D002312, MONDO:0005045, HP:0001639.

gnomAD v4.1: 1 of 1,614,218 alleles (0.000062%); highest among the groups gnomAD compares: Non-Finnish European, 0.000085%; no homozygotes.

Submission:

Labcorp Genetics (formerly Invitae), Labcorp
Classification: Uncertain significance for Hypertrophic cardiomyopathy. Last evaluated: 2025-10-19. Review status: criteria provided, single submitter. Criteria: Invitae Variant Classification Sherloc (09022015). Collection method: clinical testing. Allele origin: germline.
Comment: This sequence change replaces cysteine, which is neutral and slightly polar, with arginine, which is basic and polar, at codon 695 of the MYH7 protein (p.Cys695Arg). This variant is not present in population databases (gnomAD no frequency). This missense change has been observed in individual(s) with MYH7-related conditions (PMID: 32731933). Invitae Evidence Modeling of protein sequence and biophysical properties (such as structural, functional, and spatial information, amino acid conservation, physicochemical variation, residue mobility, and thermodynamic stability) indicates that this missense variant is expected to disrupt MYH7 protein function with a positive predictive value of 95%. In summary, the available evidence is currently insufficient to determine the role of this variant in disease. Therefore, it has been classified as a Variant of Uncertain Significance.

Literature cited by the submitters: PubMed 32731933.

NM_000257.4(MYH7):c.2083T>C (p.Cys695Arg)

Gene: MYH7 (myosin heavy chain 7; minus strand). Cytogenetic location: 14q11.2.
Variant type: single nucleotide variant.
Coding change: c.2083T>C on transcript NM_000257.4 (MANE Select); coding-DNA position 2083, T replaced by C.
Protein change: p.Cys695Arg; replaces cysteine 695 with arginine.
Molecular consequence: missense variant.
Genome position (GRCh38, 1-based): chr14:23,426,043, A>G on the plus strand (T>C on the coding strand, the complement: MYH7 is on the minus strand). VCF-style: chr14-23426043-A-G. GRCh37 (hg19) VCF-style: chr14-23895252-A-G.
Other names: c.2083T>C, p.Cys695Arg (NM_001407004.1); short protein forms C695R.
Identifiers: ClinVar variation 4763863 (VCV004763863.1).